The following is an entry in ClinVar:

NM_020877.5(DNAH2):c.12276C>T (p.Leu4092=)

Gene: DNAH2 (dynein axonemal heavy chain 2; plus strand). Cytogenetic location: 17p13.1.
Variant type: single nucleotide variant.
Coding change: c.12276C>T on transcript NM_020877.5 (MANE Select); coding-DNA position 12276, C replaced by T.
Protein change: p.Leu4092=; no amino-acid change (leucine 4092 retained).
Molecular consequence: synonymous variant.
Genome position (GRCh38, 1-based): chr17:7,831,131, C>T. VCF-style: chr17-7831131-C-T. GRCh37 (hg19) VCF-style: chr17-7734449-C-T.
Identifiers: ClinVar variation 2647388 (VCV002647388.24), dbSNP rs755085590, ClinGen allele CA8359704.

ClinVar aggregate classification (germline): Likely benign (1 of 4 stars; one submission).

Allele frequency attached by ClinVar (database versions not stated): ExAC 0.00001; gnomAD 0.00003; TOPMed 0.00003.
gnomAD v4.1: 31 of 1,613,956 alleles (0.0019%); highest among the groups gnomAD compares: African/African-American, 0.0053%; no homozygotes.

Submission:

CeGaT Center for Human Genetics Tuebingen
Classification: Likely benign. Last evaluated: 2022-12-01. Review status: criteria provided, single submitter. Criteria: CeGaT Center For Human Genetics Tuebingen Variant Classification Criteria Version 2. Collection method: clinical testing. Allele origin: germline. Affected: yes. Observed: 1 variant allele.
Comment: DNAH2: BP4, BP7